The following is an entry in ClinVar:

NM_002471.4(MYH6):c.3627C>T (p.Ile1209=)

Gene: MYH6 (myosin heavy chain 6; minus strand). Cytogenetic location: 14q11.2.
Variant type: single nucleotide variant.
Coding change: c.3627C>T on transcript NM_002471.4 (MANE Select); coding-DNA position 3627, C replaced by T.
Protein change: p.Ile1209=; no amino-acid change (isoleucine 1209 retained).
Molecular consequence: synonymous variant.
Genome position (GRCh38, 1-based): chr14:23,390,162, G>A on the plus strand (C>T on the coding strand, the complement: MYH6 is on the minus strand). VCF-style: chr14-23390162-G-A. GRCh37 (hg19) VCF-style: chr14-23859371-G-A.
Identifiers: ClinVar variation 44489 (VCV000044489.37), dbSNP rs147871745, ClinGen allele CA134347.

ClinVar aggregate classification (germline): Benign/Likely benign. Review status: criteria provided, multiple submitters, no conflicts (2 of 4 stars). 10 submissions from 10 submitters: Benign (5); Likely benign (2). 3 of the submissions do not count toward it. Last evaluated 2026-01-27.

Conditions:
Cardiovascular phenotype. Identifiers: MedGen CN230736.
Cardiomyopathy (CMYO). Also called: Cardiomyopathies. Identifiers: Orphanet 167848, MedGen C0878544, MONDO:0004994, HP:0001638. Inheritance: Various modes of inheritance.
Hypertrophic cardiomyopathy 14. Identifiers: MedGen C2750467, MONDO:0013197, OMIM 613251.

Allele frequency attached by ClinVar (database versions not stated): gnomAD exomes 0.00092 and 0.00244; ExAC 0.00300; 1000 Genomes Project 0.00759; 1000 Genomes Project 30x 0.00781; gnomAD 0.00850 and 0.00930; TOPMed 0.00969; ESP Exome Variant Server 0.01173.
gnomAD v4.1: 2,681 of 1,609,528 alleles (0.17%); highest among the groups gnomAD compares: African/African-American, 3%; 44 homozygotes.

Submissions (10):

Labcorp Genetics (formerly Invitae), Labcorp
Classification: Benign for Hypertrophic cardiomyopathy 14. Last evaluated: 2026-01-27. Review status: criteria provided, single submitter. Criteria: Invitae Variant Classification Sherloc (09022015). Collection method: clinical testing. Allele origin: germline.

ARUP Laboratories, Molecular Genetics and Genomics, ARUP Laboratories
Classification: Benign. Last evaluated: 2025-06-18. Review status: criteria provided, single submitter. Criteria: ARUP Molecular Germline Variant Investigation Process 2024. Collection method: clinical testing. Allele origin: germline.

GeneDx
Classification: Benign. Last evaluated: 2016-11-21. Review status: criteria provided, single submitter. Criteria: GeneDx Variant Classification (06012015). Collection method: clinical testing. Allele origin: germline. Affected: yes.
Comment: This variant is considered likely benign or benign based on one or more of the following criteria: it is a conservative change, it occurs at a poorly conserved position in the protein, it is predicted to be benign by multiple in silico algorithms, and/or has population frequency not consistent with disease.

CHEO Genetics Diagnostic Laboratory, Children's Hospital of Eastern Ontario
Classification: Likely benign for Cardiomyopathy. Last evaluated: 2016-06-09. Review status: criteria provided, single submitter. Criteria: ACMG Guidelines, 2015. Collection method: clinical testing. Allele origin: germline. Study: Canadian Open Genetics Repository.

Ambry Genetics
Classification: Benign for Cardiovascular phenotype. Last evaluated: 2015-07-08. Review status: criteria provided, single submitter. Criteria: Ambry Variant Classification Scheme 2023. Collection method: clinical testing. Allele origin: germline.

Laboratory for Molecular Medicine, Mass General Brigham Personalized Medicine
Classification: Benign. Last evaluated: 2012-04-03. Review status: criteria provided, single submitter. Criteria: LMM Criteria. Collection method: clinical testing. Allele origin: germline. Observed: 13 variant alleles.

Breakthrough Genomics
Classification: Likely benign. Review status: criteria provided, single submitter. Criteria: ACMG Guidelines, 2015. Collection method: not provided. Allele origin: germline. Inheritance: Autosomal dominant inheritance. Affected: yes.

Clinical Genetics, Academic Medical Center
Classification: Benign. Review status: no assertion criteria provided. Collection method: clinical testing. Allele origin: germline. Affected: yes. Study: VKGL Data-share Consensus. Not counted in ClinVar's aggregate classification.

Diagnostic Laboratory, Department of Genetics, University Medical Center Groningen
Classification: Likely benign. Review status: no assertion criteria provided. Collection method: clinical testing. Allele origin: germline. Affected: yes. Study: VKGL Data-share Consensus. Not counted in ClinVar's aggregate classification.

Joint Genome Diagnostic Labs from Nijmegen and Maastricht, Radboudumc and MUMC+
Classification: Likely benign. Review status: no assertion criteria provided. Collection method: clinical testing. Allele origin: germline. Affected: yes. Study: VKGL Data-share Consensus. Not counted in ClinVar's aggregate classification.